The following is an entry in ClinVar:

NM_001351132.2(PEX5):c.1874C>T (p.Ala625Val)

Gene: PEX5 (peroxisomal biogenesis factor 5; plus strand). Cytogenetic location: 12p13.31.
Variant type: single nucleotide variant.
Coding change: c.1874C>T on transcript NM_001351132.2 (MANE Select); coding-DNA position 1874, C replaced by T.
Protein change: p.Ala625Val; replaces alanine 625 with valine.
Molecular consequence: missense variant.
Genome position (GRCh38, 1-based): chr12:7,210,177, C>T. VCF-style: chr12-7210177-C-T. GRCh37 (hg19) VCF-style: chr12-7362773-C-T.
Other names: c.1850C>T, p.Ala617Val (NM_000319.5); c.1919C>T, p.Ala640Val (NM_001131023.2); c.1763C>T, p.Ala588Val (NM_001131024.2, NM_001351124.3, NM_001351126.2 and 7 more transcripts); c.1874C>T, p.Ala625Val (NM_001131025.2, NM_001131026.2, NM_001300789.3 and 4 more transcripts); c.1808C>T, p.Ala603Val (NM_001351135.3, NM_001351138.2); c.1865C>T, p.Ala622Val (NM_001351136.2); c.1739C>T, p.Ala580Val (NM_001351139.2, NM_001351140.2, NM_001374649.2); short protein forms A580V, A622V, A617V, A588V, A603V, A625V, A640V.
Identifiers: ClinVar variation 851096 (VCV000851096.7), dbSNP rs773854263, ClinGen allele CA6426611.

ClinVar aggregate classification (germline): Uncertain significance. Review status: criteria provided, multiple submitters, no conflicts (2 of 4 stars). 2 submissions from 2 submitters: Uncertain significance (2). Last evaluated 2025-11-02.

Conditions:
Inborn genetic diseases. Identifiers: MedGen C0950123, MeSH D030342.
Peroxisome biogenesis disorder 2B (PBD2B). Identifiers: Orphanet 44, MedGen C3550234, MONDO:0008736, OMIM 202370.

Allele frequency attached by ClinVar (database versions not stated): gnomAD 0.00005 and 0.00004; TOPMed 0.00008.
gnomAD v4.1: 29 of 1,614,092 alleles (0.0018%); highest among the groups gnomAD compares: Admixed American, 0.01%; no homozygotes.

Submissions (2):

Ambry Genetics
Classification: Uncertain significance for Inborn genetic diseases. Last evaluated: 2025-11-02. Review status: criteria provided, single submitter. Criteria: Ambry Variant Classification Scheme 2023. Collection method: clinical testing. Allele origin: germline.

Labcorp Genetics (formerly Invitae), Labcorp
Classification: Uncertain significance for Peroxisome biogenesis disorder 2B. Last evaluated: 2022-10-04. Review status: criteria provided, single submitter. Criteria: Invitae Variant Classification Sherloc (09022015). Collection method: clinical testing. Allele origin: germline.
Comment: This sequence change replaces alanine, which is neutral and non-polar, with valine, which is neutral and non-polar, at codon 625 of the PEX5 protein (p.Ala625Val). This variant is present in population databases (rs773854263, gnomAD 0.005%). This variant has not been reported in the literature in individuals affected with PEX5-related conditions. ClinVar contains an entry for this variant (Variation ID: 851096). Advanced modeling of protein sequence and biophysical properties (such as structural, functional, and spatial information, amino acid conservation, physicochemical variation, residue mobility, and thermodynamic stability) performed at Invitae indicates that this missense variant is not expected to disrupt PEX5 protein function. Algorithms developed to predict the effect of sequence changes on RNA splicing suggest that this variant may create or strengthen a splice site. In summary, the available evidence is currently insufficient to determine the role of this variant in disease. Therefore, it has been classified as a Variant of Uncertain Significance.